The following is an entry in ClinVar:

ClinVar aggregate classification (germline): Uncertain significance. Review status: criteria provided, multiple submitters, no conflicts (2 of 4 stars). 2 submissions from 2 submitters: Uncertain significance (2). Last evaluated 2025-07-12.

Conditions:
Hereditary cancer-predisposing syndrome. Also called: Neoplastic Syndromes, Hereditary; Tumor predisposition; Hereditary Cancer Syndrome; Hereditary neoplastic syndrome. Identifiers: Orphanet 140162, MedGen C0027672, MeSH D009386, MONDO:0015356.

Submissions (2):

Ambry Genetics
Classification: Uncertain significance for Hereditary cancer-predisposing syndrome. Last evaluated: 2025-07-12. Review status: criteria provided, single submitter. Criteria: Ambry Variant Classification Scheme 2023. Collection method: clinical testing. Allele origin: germline.
Comment: The p.S1931P variant (also known as c.5791T>C), located in coding exon 15 of the APC gene, results from a T to C substitution at nucleotide position 5791. The serine at codon 1931 is replaced by proline, an amino acid with similar properties. This amino acid position is conserved. In addition, in silico predictors for this gene do not accurately predict pathogenicity. Based on the available evidence, the clinical significance of this variant remains unclear.

Color Diagnostics, LLC DBA Color Health
Classification: Uncertain significance for Hereditary cancer-predisposing syndrome. Last evaluated: 2023-12-05. Review status: criteria provided, single submitter. Criteria: ACMG Guidelines, 2015. Collection method: clinical testing. Allele origin: germline.
Comment: This missense variant replaces serine with proline at codon 1931 of the APC protein. Computational prediction suggests that this variant may not impact protein structure and function (internally defined REVEL score threshold <= 0.5, PMID: 27666373). To our knowledge, functional studies have not been reported for this variant. This variant has not been reported in individuals affected with APC-related disorders in the literature. This variant has not been identified in the general population by the Genome Aggregation Database (gnomAD). The available evidence is insufficient to determine the role of this variant in disease conclusively. Therefore, this variant is classified as a Variant of Uncertain Significance.

NM_000038.6(APC):c.5791T>C (p.Ser1931Pro)

Gene: APC (APC regulator of Wnt signaling pathway; plus strand). Cytogenetic location: 5q22.2.
Variant type: single nucleotide variant.
Coding change: c.5791T>C on transcript NM_000038.6 (MANE Select); coding-DNA position 5791, T replaced by C.
Protein change: p.Ser1931Pro; replaces serine 1931 with proline.
Molecular consequence: missense variant.
Genome position (GRCh38, 1-based): chr5:112,841,385, T>C. VCF-style: chr5-112841385-T-C. GRCh37 (hg19) VCF-style: chr5-112177082-T-C.
Other names: c.5791T>C, p.Ser1931Pro (NM_001127510.3, NM_001354895.2); c.5716T>C, p.Ser1906Pro (NM_001354898.2); c.5845T>C, p.Ser1949Pro (NM_001354896.2); c.5821T>C, p.Ser1941Pro (NM_001354897.2); c.5737T>C, p.Ser1913Pro (NM_001127511.3); c.5707T>C, p.Ser1903Pro (NM_001354899.2); c.5668T>C, p.Ser1890Pro (NM_001354900.2); c.5614T>C, p.Ser1872Pro (NM_001354901.2); and 5 more; short protein forms S1648P, S1805P, S1771P, S1830P, S1872P, S1890P, S1903P, S1913P.
Identifiers: ClinVar variation 924449 (VCV000924449.5), dbSNP rs1580663933, ClinGen allele CA16034003.
Genomic context (GRCh38, chr5:112,841,385, plus strand): 5'-CAAGCTATTGCAAAGCAGCCAATAAATCGAGGTCAGCCTAAACCCATACTTCAGAAACAA[T>C]CCACTTTTCCCCAGTCATCCAAAGACATACCAGACAGAGGGGCAGCAACTGATGAAAAGT-3'
Protein context (NP_000029.2, residues 1921-1941): GQPKPILQKQ[Ser1931Pro]TFPQSSKDIP